The following is an entry in ClinVar:

NM_080425.4(GNAS):c.1532G>A (p.Arg511His)

Gene: GNAS (GNAS complex locus; plus strand). Cytogenetic location: 20q13.32.
Variant type: single nucleotide variant.
Coding change: c.1532G>A on transcript NM_080425.4 (MANE Plus Clinical); coding-DNA position 1532, G replaced by A.
Protein change: p.Arg511His; replaces arginine 511 with histidine.
Molecular consequence: missense variant. On other transcripts: intron variant (3).
Genome position (GRCh38, 1-based): chr20:58,854,797, G>A. VCF-style: chr20-58854797-G-A. GRCh37 (hg19) VCF-style: chr20-57429852-G-A.
Other names: c.1345G>A, p.Ala449Thr (NM_001077490.3, NM_001309883.1); c.1532G>A, p.Arg511His (NM_001410913.1); c.*42+13911G>A (NM_016592.5); c.43+13911G>A (NM_001410912.1); c.-39+12922G>A (NM_001309861.2); short protein forms R511H, A449T.
Identifiers: ClinVar variation 4981971 (VCV004981971.1).
Genomic context (GRCh38, chr20:58,854,797, plus strand): 5'-CGCCAGACGCAGGGGCTCCCACTGCCCCAGCCGCTTCTGCCACCCGGGCAGCCCAAGTCC[G>A]CCGGGCGGCCTCTGCAGCCCCTGCCTCCGGGGCCAGACGCAAGATCCATCTCAGACCCCC-3'
Protein context (NP_536350.2, residues 501-521): AASATRAAQV[Arg511His]RAASAAPASG

ClinVar aggregate classification (germline): Uncertain significance (1 of 4 stars; one submission).

Conditions:
GNAS-related disorder. Identifiers: MedGen CN380105.

gnomAD v4.1: 5 of 1,578,874 alleles (0.00032%); highest among the groups gnomAD compares: African/African-American, 0.0054%; no homozygotes.

Submission:

PreventionGenetics, part of Exact Sciences
Classification: Uncertain significance for GNAS-related condition. Last evaluated: 2026-04-02. Review status: criteria provided, single submitter. Criteria: ACMG Guidelines, 2015. Collection method: clinical testing. Allele origin: germline.
Comment: The GNAS c.1532G>A variant is predicted to result in the amino acid substitution p.Arg511His. Of note, in the more commonly reported transcript (NM_000516.5) this variant is pre-coding (c.-36930G>A). To our knowledge, this variant has not been reported in the literature or in gnomAD, indicating that this variant is rare. At this time, the clinical significance of this variant is uncertain due to the absence of conclusive functional and genetic evidence.